The following is an entry in ClinVar:

ClinVar aggregate classification (germline): Pathogenic (1 of 4 stars; one submission).

Conditions:
Methylcobalamin deficiency type cblG (HMAG). Also called: HOMOCYSTINURIA-MEGALOBLASTIC ANEMIA, cblG TYPE; HOMOCYSTINURIA-MEGALOBLASTIC ANEMIA DUE TO DEFECT IN COBALAMIN METABOLISM, cblG COMPLEMENTATION TYPE; HOMOCYSTINURIA-MEGALOBLASTIC ANEMIA, cblG COMPLEMENTATION TYPE; Functional methionine synthase deficiency type cblG. Identifiers: Orphanet 2170, Orphanet 622, MedGen C1855128, MONDO:0009609, OMIM 250940.

Submission:

Labcorp Genetics (formerly Invitae), Labcorp
Classification: Pathogenic for Methylcobalamin deficiency type cblG. Last evaluated: 2024-02-22. Review status: criteria provided, single submitter. Criteria: Invitae Variant Classification Sherloc (09022015). Collection method: clinical testing. Allele origin: germline.
Comment: This sequence change creates a premature translational stop signal (p.Arg755Lysfs*10) in the MTR gene. It is expected to result in an absent or disrupted protein product. Loss-of-function variants in MTR are known to be pathogenic (PMID: 9683607, 12068375). This variant is present in population databases (no rsID available, gnomAD 0.0009%). This variant has not been reported in the literature in individuals affected with MTR-related conditions. For these reasons, this variant has been classified as Pathogenic.

Literature cited by the submitters: PubMed 9683607; PubMed 12068375.

NM_000254.3(MTR):c.2262_2265del (p.Arg755fs)

Gene: MTR (5-methyltetrahydrofolate-homocysteine methyltransferase; plus strand). Cytogenetic location: 1q43.
Variant type: Microsatellite.
Coding change: c.2262_2265del on transcript NM_000254.3 (MANE Select); coding-DNA positions 2262 to 2265, 4 bases deleted (AAGA; older notation c.2262_2265delAAGA).
Protein change: p.Arg755fs; shifts the reading frame from arginine 755.
Molecular consequence: frameshift variant.
Genome position (GRCh38, 1-based): chr1:236,862,301-236,862,304, AAGA deleted; deleting any 4 consecutive bases within chr1:236,862,296-236,862,304 gives the same sequence; the c. name uses the placement nearest the transcript's 3' end. VCF-style (leftmost placement, unchanged base first): chr1-236862295-AAAAG-A. GRCh37 (hg19) VCF-style: chr1-237025595-AAAAG-A.
Other names: c.1041_1044del, p.Arg348fs (NM_001291940.2); c.2262_2265del, p.Arg755fs (NM_001410942.1); c.2109_2112del, p.Arg704fs (NM_001291939.1); short protein forms R348fs, R704fs, R755fs.
Identifiers: ClinVar variation 3014323 (VCV003014323.3), dbSNP rs1180704409, ClinGen allele CA529529769.